The following is an entry in ClinVar:

ClinVar aggregate classification (germline): Uncertain significance (1 of 4 stars; one submission).

Conditions:
Congenital myasthenic syndrome 8. Also called: Myasthenic syndrome, congenital, 8, with pre- and postsynaptic defects; MYASTHENIC SYNDROME, CONGENITAL, DUE TO AGRIN DEFICIENCY. Identifiers: Orphanet 590, MedGen C3808739, MONDO:0014052, OMIM 615120.

Allele frequency attached by ClinVar (database versions not stated): gnomAD 0.00001; TOPMed 0.00001; ExAC 0.00003; gnomAD exomes 0.00003; ESP Exome Variant Server 0.00008.
gnomAD v4.1: 31 of 1,613,740 alleles (0.0019%); highest among the groups gnomAD compares: Non-Finnish European, 0.0021%; no homozygotes.

Submission:

Labcorp Genetics (formerly Invitae), Labcorp
Classification: Uncertain significance for Congenital myasthenic syndrome 8. Last evaluated: 2025-11-25. Review status: criteria provided, single submitter. Criteria: Invitae Variant Classification Sherloc (09022015). Collection method: clinical testing. Allele origin: germline.
Comment: This sequence change replaces alanine, which is neutral and non-polar, with valine, which is neutral and non-polar, at codon 1861 of the AGRN protein (p.Ala1861Val). This variant is present in population databases (rs138113721, gnomAD 0.02%). This variant has not been reported in the literature in individuals affected with AGRN-related conditions. ClinVar contains an entry for this variant (Variation ID: 945834). An algorithm developed to predict the effect of missense changes on protein structure and function outputs the following: PolyPhen-2: "Benign". The valine amino acid residue is found in multiple mammalian species, which suggests that this missense change does not adversely affect protein function. In summary, the available evidence is currently insufficient to determine the role of this variant in disease. Therefore, it has been classified as a Variant of Uncertain Significance.

NM_198576.4(AGRN):c.5582C>T (p.Ala1861Val)

Gene: AGRN (agrin; plus strand). Cytogenetic location: 1p36.33.
Variant type: single nucleotide variant.
Coding change: c.5582C>T on transcript NM_198576.4 (MANE Select); coding-DNA position 5582, C replaced by T.
Protein change: p.Ala1861Val; replaces alanine 1861 with valine.
Molecular consequence: missense variant.
Genome position (GRCh38, 1-based): chr1:1,051,746, C>T. VCF-style: chr1-1051746-C-T. GRCh37 (hg19) VCF-style: chr1-987126-C-T.
Other names: c.5594C>T, p.Ala1865Val (NM_001305275.2); c.5279C>T, p.Ala1760Val (NM_001364727.2); short protein forms A1760V, A1861V, A1865V.
Identifiers: ClinVar variation 945834 (VCV000945834.9), dbSNP rs138113721, ClinGen allele CA510095.
Genomic context (GRCh38, chr1:1,051,746, plus strand): 5'-CCGGAGCCCACGAGGCCCCACCCTCACCTGCCTATCTCACAGGGCTGGTGGAGAAGTCAG[C>T]GGGGGACGTGGATACCTTGGCCTTTGACGGGCGGACCTTTGTCGAGTACCTCAACGCTGT-3'
Protein context (NP_940978.2, residues 1851-1871): HCEKGLVEKS[Ala1861Val]GDVDTLAFDG